The following is an entry in ClinVar:

NM_000152.5(GAA):c.2761G>T (p.Val921Phe)

Gene: GAA (alpha glucosidase; plus strand). Cytogenetic location: 17q25.3.
Variant type: single nucleotide variant.
Coding change: c.2761G>T on transcript NM_000152.5 (MANE Select); coding-DNA position 2761, G replaced by T.
Protein change: p.Val921Phe; replaces valine 921 with phenylalanine.
Molecular consequence: missense variant.
Genome position (GRCh38, 1-based): chr17:80,118,767, G>T. VCF-style: chr17-80118767-G-T. GRCh37 (hg19) VCF-style: chr17-78092566-G-T.
Other names: c.2761G>T (LRG_673t1); c.2761G>T, p.Val921Phe (NM_001079803.3, NM_001079804.3); short protein forms V921F.
Identifiers: ClinVar variation 526538 (VCV000526538.11), dbSNP rs1555603286, ClinGen allele CA401327245.
Genomic context (GRCh38, chr17:80,118,767, plus strand): 5'-CTGCAGAAGGTGACTGTCCTGGGCGTGGCCACGGCGCCCCAGCAGGTCCTCTCCAACGGT[G>T]TCCCTGTCTCCAACTTCACCTACAGCCCCGACACCAAGGCAAGAGGGCCCAGAGTGGCAC-3'
Protein context (NP_000143.2, residues 911-931): TAPQQVLSNG[Val921Phe]PVSNFTYSPD

ClinVar aggregate classification (germline): Uncertain significance (1 of 4 stars; one submission).

Conditions:
Glycogen storage disease, type II (IOPD). Also called: CARDIOMEGALIA GLYCOGENICA DIFFUSA; GLYCOGENOSIS, GENERALIZED, CARDIAC FORM; GSD II; POMPE DISEASE, INFANTILE-ONSET; GLYCOGEN STORAGE DISEASE II, INFANTILE-ONSET; ACID ALPHA-GLUCOSIDASE DEFICIENCY, INFANTILE-ONSET. Identifiers: Orphanet 365, MedGen C0017921, MONDO:0009290, OMIM 232300.

Allele frequency attached by ClinVar (database versions not stated): gnomAD exomes below 0.00001.
gnomAD v4.1: 1 of 1,613,548 alleles (0.000062%); highest among the groups gnomAD compares: African/African-American, 0.0013%; no homozygotes.

Submission:

Labcorp Genetics (formerly Invitae), Labcorp
Classification: Uncertain significance for Glycogen storage disease, type II. Last evaluated: 2019-07-19. Review status: criteria provided, single submitter. Criteria: Invitae Variant Classification Sherloc (09022015). Collection method: clinical testing. Allele origin: germline.
Comment: This variant is not present in population databases (ExAC no frequency). This sequence change replaces valine with phenylalanine at codon 921 of the GAA protein (p.Val921Phe). The valine residue is moderately conserved and there is a small physicochemical difference between valine and phenylalanine. This variant has not been reported in the literature in individuals with GAA-related disease. In summary, the available evidence is currently insufficient to determine the role of this variant in disease. Therefore, it has been classified as a Variant of Uncertain Significance. Algorithms developed to predict the effect of missense changes on protein structure and function do not agree on the potential impact of this missense change (SIFT: "Deleterious"; PolyPhen-2: "Benign"; Align-GVGD: "Class C0").